The following is an entry in ClinVar:

NM_004447.6(EPS8):c.894T>G (p.Ser298=)

Gene: EPS8 (EGFR pathway substrate 8, signaling adaptor; minus strand). Cytogenetic location: 12p12.3.
Variant type: single nucleotide variant.
Coding change: c.894T>G on transcript NM_004447.6 (MANE Select); coding-DNA position 894, T replaced by G.
Protein change: p.Ser298=; no amino-acid change (serine 298 retained).
Molecular consequence: synonymous variant. On other transcripts: non-coding transcript variant (3).
Genome position (GRCh38, 1-based): chr12:15,660,657, A>C on the plus strand (T>G on the coding strand, the complement: EPS8 is on the minus strand). VCF-style: chr12-15660657-A-C. GRCh37 (hg19) VCF-style: chr12-15813591-A-C.
Other names: c.894T>G, p.Ser298= (NM_001413831.1, NM_001413832.1, NM_001413833.1 and 2 more transcripts); c.654T>G, p.Ser218= (NM_001413835.1, NM_001413836.1); c.477T>G, p.Ser159= (NM_001413837.1); c.114T>G, p.Ser38= (NM_001413838.1).
Identifiers: ClinVar variation 5002207 (VCV005002207.1).
Genomic context (GRCh38, chr12:15,660,657, plus strand): 5'-AAGAAAATCCAACTTACCTCCTGGTCCTTTCCTTTTACCTTTCTTGTTTTTCTTCCTTTT[A>C]GAAAGCTCAGAAAATGCTTCTGCTGCTTTTTGGAGTTTTGTGATAAAAAATTCAATGTCA-3'
Protein context (NP_004438.3, residues 288-308): QKAAEAFSEL[Ser298=]KRKKNKKGKR

ClinVar aggregate classification (germline): Likely benign (1 of 4 stars; one submission).

Conditions:
EPS8-related disorder. Also called: EPS8-related condition.

Submission:

PreventionGenetics, part of Exact Sciences
Classification: Likely benign for EPS8-related condition. Last evaluated: 2024-12-02. Review status: criteria provided, single submitter. Criteria: ACMG Guidelines, 2015. Collection method: clinical testing. Allele origin: germline.
Comment: This variant is classified as likely benign based on ACMG/AMP sequence variant interpretation guidelines (Richards et al. 2015 PMID: 25741868, with internal and published modifications).